The following is an entry in ClinVar:

ClinVar aggregate classification (germline): Uncertain significance (1 of 4 stars; one submission).

Conditions:
Emery-Dreifuss muscular dystrophy 4, autosomal dominant (EDMD4). Also called: EMERY-DREIFUSS MUSCULAR DYSTROPHY 4 WITH VARIABLE FEATURES. Identifiers: Orphanet 261, MedGen C2751807, MONDO:0013071, OMIM 612998.
Autosomal recessive ataxia, Beauce type. Also called: SYNE1 Deficiency; Spinocerebellar ataxia, autosomal recessive 8; ATAXIA, RECESSIVE, OF BEAUCE; SYNE1-Related Autosomal Recessive Cerebellar Ataxia. Identifiers: Orphanet 88644, MedGen C1853116, MONDO:0012549, OMIM 610743.

gnomAD v4.1: 1 of 1,614,176 alleles (0.000062%); highest among the groups gnomAD compares: Non-Finnish European, 0.000085%; no homozygotes.

Submission:

Labcorp Genetics (formerly Invitae), Labcorp
Classification: Uncertain significance for Emery-Dreifuss muscular dystrophy 4, autosomal dominant; Autosomal recessive ataxia, Beauce type. Last evaluated: 2023-04-14. Review status: criteria provided, single submitter. Criteria: Invitae Variant Classification Sherloc (09022015). Collection method: clinical testing. Allele origin: germline.
Comment: This sequence change replaces serine, which is neutral and polar, with tryptophan, which is neutral and slightly polar, at codon 6811 of the SYNE1 protein (p.Ser6811Trp). This variant is not present in population databases (gnomAD no frequency). This variant has not been reported in the literature in individuals affected with SYNE1-related conditions. ClinVar contains an entry for this variant (Variation ID: 2122227). An algorithm developed to predict the effect of missense changes on protein structure and function (PolyPhen-2) suggests that this variant is likely to be disruptive. In summary, the available evidence is currently insufficient to determine the role of this variant in disease. Therefore, it has been classified as a Variant of Uncertain Significance.

NM_182961.4(SYNE1):c.20645C>G (p.Ser6882Trp)

Gene: SYNE1 (spectrin repeat containing nuclear envelope protein 1; minus strand). Cytogenetic location: 6q25.2.
Variant type: single nucleotide variant.
Coding change: c.20645C>G on transcript NM_182961.4 (MANE Select); coding-DNA position 20645, C replaced by G.
Protein change: p.Ser6882Trp; replaces serine 6882 with tryptophan.
Molecular consequence: missense variant.
Genome position (GRCh38, 1-based): chr6:152,233,848, G>C on the plus strand (C>G on the coding strand, the complement: SYNE1 is on the minus strand). VCF-style: chr6-152233848-G-C. GRCh37 (hg19) VCF-style: chr6-152554983-G-C.
Other names: c.20432C>G, p.Ser6811Trp (NM_033071.5); short protein forms S6882W, S6811W.
Identifiers: ClinVar variation 2122227 (VCV002122227.4), dbSNP rs373012438, ClinGen allele CA366117986.
Genomic context (GRCh38, chr6:152,233,848, plus strand): 5'-AGCTTCTCCTGGACGGCTGGGATATTGGTTAGCAGGTCAGTCCACTGGCTATCAATGCGC[G>C]ACAGCTCAGAGCGCAGCGTGGCTGTGTCCACCTTTTTTAGTCGAAGGAGCTGATTTCCAG-3'
Protein context (NP_892006.3, residues 6872-6892): VDTATLRSEL[Ser6882Trp]RIDSQWTDLL